The following is an entry in ClinVar:

ClinVar aggregate classification (germline): Conflicting classifications of pathogenicity. Review status: criteria provided, conflicting classifications (1 of 4 stars). 13 submissions from 13 submitters: Uncertain significance (1); Benign (1); Likely benign (6). 5 of the submissions do not count toward it. Last evaluated 2026-01-04.

Conditions:
TNFRSF1A-related disorder. Also called: TNFRSF1A-related condition.
Autoinflammatory syndrome. Identifiers: Orphanet 93665, MedGen C3890737, MONDO:0019751.
Inborn genetic diseases. Identifiers: MedGen C0950123, MeSH D030342.
TNF receptor-associated periodic fever syndrome (TRAPS) (FPF). Also called: FAMILIAL HIBERNIAN FEVER; TNF RECEPTOR-ASSOCIATED PERIODIC SYNDROME; TUMOR NECROSIS FACTOR RECEPTOR-ASSOCIATED PERIODIC SYNDROME; TNF Receptor-Associated Periodic Fever Syndrome; TNF receptor 1-associated periodic fever syndrome; Autosomal Dominant Familial Periodic Fever. Identifiers: Orphanet 32960, MedGen C1275126, MONDO:0007727, OMIM 142680.

Allele frequency attached by ClinVar (database versions not stated): ExAC 0.00040; ESP Exome Variant Server 0.00054; gnomAD exomes 0.00032; TOPMed 0.00032; gnomAD 0.00036.
gnomAD v4.1: 813 of 1,613,952 alleles (0.05%); highest among the groups gnomAD compares: Non-Finnish European, 0.065%; no homozygotes.

Submissions (13):

Labcorp Genetics (formerly Invitae), Labcorp
Classification: Likely benign for TNF receptor-associated periodic fever syndrome (TRAPS). Last evaluated: 2026-01-04. Review status: criteria provided, single submitter. Criteria: Invitae Variant Classification Sherloc (09022015). Collection method: clinical testing. Allele origin: germline.

ARUP Laboratories, Molecular Genetics and Genomics, ARUP Laboratories
Classification: Likely benign. Last evaluated: 2024-12-11. Review status: criteria provided, single submitter. Criteria: ARUP Molecular Germline Variant Investigation Process 2024. Collection method: clinical testing. Allele origin: germline.

Blueprint Genetics
Classification: Likely benign. Last evaluated: 2024-09-15. Review status: criteria provided, single submitter. Criteria: ACMG Guidelines, 2015. Collection method: clinical testing. Allele origin: germline.

CeGaT Center for Human Genetics Tuebingen
Classification: Likely benign. Last evaluated: 2023-09-01. Review status: criteria provided, single submitter. Criteria: CeGaT Center For Human Genetics Tuebingen Variant Classification Criteria Version 2. Collection method: clinical testing. Allele origin: germline. Affected: yes. Observed: 3 variant alleles.
Comment: TNFRSF1A: BP4, BP7

Ambry Genetics
Classification: Likely benign for Inborn genetic diseases. Last evaluated: 2023-06-13. Review status: criteria provided, single submitter. Criteria: Ambry Variant Classification Scheme 2023. Collection method: clinical testing. Allele origin: germline.

Genome Diagnostics Laboratory, The Hospital for Sick Children
Classification: Likely benign for Autoinflammatory syndrome. Last evaluated: 2022-04-01. Review status: criteria provided, single submitter. Criteria: ACMG Guidelines, 2015. Collection method: clinical testing. Allele origin: germline. Affected: yes.

Illumina Laboratory Services, Illumina
Classification: Uncertain significance for TNF receptor-associated periodic fever syndrome (TRAPS). Last evaluated: 2017-04-27. Review status: criteria provided, single submitter. Criteria: ICSL Variant Classification Criteria 13 December 2019. Collection method: clinical testing. Allele origin: germline.

GeneDx
Classification: Benign. Last evaluated: 2015-03-03. Review status: criteria provided, single submitter. Criteria: GeneDx Variant Classification Process June 2021. Collection method: clinical testing. Allele origin: germline. Affected: yes.
Comment: This variant is associated with the following publications: (PMID: 21724465)

Molecular Genetics Laboratory, BC Children's and BC Women's Hospitals
Classification: Likely benign for TNF receptor-associated periodic fever syndrome (TRAPS). Last evaluated: 2024-11-20. Review status: no assertion criteria provided. Criteria: ACMG Guidelines, 2015. Collection method: clinical testing. Allele origin: germline. Affected: yes. Not counted in ClinVar's aggregate classification.

PreventionGenetics, part of Exact Sciences
Classification: Likely benign for TNFRSF1A-related condition. Last evaluated: 2020-06-22. Review status: no assertion criteria provided. Collection method: clinical testing. Allele origin: germline. Not counted in ClinVar's aggregate classification.
Comment: This variant is classified as likely benign based on ACMG/AMP sequence variant interpretation guidelines (Richards et al. 2015 PMID: 25741868, with internal and published modifications).

Clinical Genetics DNA and cytogenetics Diagnostics Lab, Erasmus MC, Erasmus Medical Center
Classification: Likely benign. Review status: no assertion criteria provided. Collection method: clinical testing. Allele origin: germline. Affected: yes. Study: VKGL Data-share Consensus. Not counted in ClinVar's aggregate classification.

Genome Diagnostics Laboratory, University Medical Center Utrecht
Classification: Likely benign. Review status: no assertion criteria provided. Collection method: clinical testing. Allele origin: germline. Affected: yes. Study: VKGL Data-share Consensus. Not counted in ClinVar's aggregate classification.

Unité médicale des maladies autoinflammatoires, CHRU Montpellier
No classification provided. Condition: TNF receptor-associated periodic fever syndrome (TRAPS). Review status: no classification provided. Collection method: not provided. Allele origin: unknown. Not counted in ClinVar's aggregate classification.

NM_001065.4(TNFRSF1A):c.369C>T (p.Thr123=)

Gene: TNFRSF1A (TNF receptor superfamily member 1A; minus strand). Cytogenetic location: 12p13.31.
Variant type: single nucleotide variant.
Coding change: c.369C>T on transcript NM_001065.4 (MANE Select); coding-DNA position 369, C replaced by T.
Protein change: p.Thr123=; no amino-acid change (threonine 123 retained).
Molecular consequence: synonymous variant. On other transcripts: 5 prime UTR variant (1), non-coding transcript variant (1).
Genome position (GRCh38, 1-based): chr12:6,333,470, G>A on the plus strand (C>T on the coding strand, the complement: TNFRSF1A is on the minus strand). VCF-style: chr12-6333470-G-A. GRCh37 (hg19) VCF-style: chr12-6442636-G-A.
Other names: c.45C>T, p.Thr15= (NM_001346091.2); c.-209C>T (NM_001346092.2).
Identifiers: ClinVar variation 97695 (VCV000097695.70), dbSNP rs104895260, ClinGen allele CA280840.